The following is an entry in ClinVar:

NM_203447.4(DOCK8):c.3868G>A (p.Ala1290Thr)

Gene: DOCK8 (dedicator of cytokinesis 8; plus strand). Cytogenetic location: 9p24.3.
Variant type: single nucleotide variant.
Coding change: c.3868G>A on transcript NM_203447.4 (MANE Select); coding-DNA position 3868, G replaced by A.
Protein change: p.Ala1290Thr; replaces alanine 1290 with threonine.
Molecular consequence: missense variant.
Genome position (GRCh38, 1-based): chr9:420,428, G>A. VCF-style: chr9-420428-G-A. GRCh37 (hg19) VCF-style: chr9-420428-G-A.
Other names: c.3568G>A, p.Ala1190Thr (NM_001190458.2); c.3664G>A, p.Ala1222Thr (NM_001193536.2); short protein forms A1190T, A1222T, A1290T.
Identifiers: ClinVar variation 965163 (VCV000965163.8), dbSNP rs932409929, ClinGen allele CA187789952.

ClinVar aggregate classification (germline): Uncertain significance (1 of 4 stars; one submission).

Allele frequency attached by ClinVar (database versions not stated): gnomAD exomes 0.00002.
gnomAD v4.1: 25 of 1,614,022 alleles (0.0015%); highest among the groups gnomAD compares: Admixed American, 0.005%; no homozygotes.

Submission:

Labcorp Genetics (formerly Invitae), Labcorp
Classification: Uncertain significance for Combined immunodeficiency due to DOCK8 deficiency. Last evaluated: 2024-02-17. Review status: criteria provided, single submitter. Criteria: Invitae Variant Classification Sherloc (09022015). Collection method: clinical testing. Allele origin: germline.
Comment: This sequence change replaces alanine, which is neutral and non-polar, with threonine, which is neutral and polar, at codon 1290 of the DOCK8 protein (p.Ala1290Thr). This variant is present in population databases (no rsID available, gnomAD 0.006%). This variant has not been reported in the literature in individuals affected with DOCK8-related conditions. ClinVar contains an entry for this variant (Variation ID: 965163). Advanced modeling of protein sequence and biophysical properties (such as structural, functional, and spatial information, amino acid conservation, physicochemical variation, residue mobility, and thermodynamic stability) performed at Invitae indicates that this missense variant is not expected to disrupt DOCK8 protein function with a negative predictive value of 80%. In summary, the available evidence is currently insufficient to determine the role of this variant in disease. Therefore, it has been classified as a Variant of Uncertain Significance.